The following is an entry in ClinVar:

NM_004963.4(GUCY2C):c.2891T>C (p.Val964Ala)

Genes: GUCY2C (guanylate cyclase 2C; minus strand), PLBD1-AS1 (PLBD1 antisense RNA 1; plus strand). Cytogenetic location: 12p12.3.
Variant type: single nucleotide variant.
Coding change: c.2891T>C on transcript NM_004963.4 (MANE Select); coding-DNA position 2891, T replaced by C.
Protein change: p.Val964Ala; replaces valine 964 with alanine.
Molecular consequence: missense variant.
Genome position (GRCh38, 1-based): chr12:14,616,712, A>G on the plus strand (T>C on the coding strand, the complement: GUCY2C is on the minus strand). VCF-style: chr12-14616712-A-G. GRCh37 (hg19) VCF-style: chr12-14769646-A-G.
Other names: short protein forms V964A.
Identifiers: ClinVar variation 775307 (VCV000775307.16), dbSNP rs148548970, ClinGen allele CA6462940.

ClinVar aggregate classification (germline): Benign/Likely benign. Review status: criteria provided, multiple submitters, no conflicts (2 of 4 stars). 5 submissions from 5 submitters: Benign (2); Likely benign (2). 1 of the submissions does not count toward it. Last evaluated 2026-07-01.

Conditions:
GUCY2C-related disorder. Also called: GUCY2C-related condition.

Allele frequency attached by ClinVar (database versions not stated): gnomAD exomes 0.00083; ExAC 0.00097; 1000 Genomes Project 0.00300; ESP Exome Variant Server 0.00331; gnomAD 0.00340 and 0.00363; TOPMed 0.00343; 1000 Genomes Project 30x 0.00390.
gnomAD v4.1: 1,013 of 1,601,040 alleles (0.063%); highest among the groups gnomAD compares: African/African-American, 1.2%; 7 homozygotes.

Submissions (5):

CeGaT Center for Human Genetics Tuebingen
Classification: Likely benign. Last evaluated: 2026-07-01. Review status: criteria provided, single submitter. Criteria: CeGaT Center For Human Genetics Tuebingen Variant Classification Criteria Version 2. Collection method: clinical testing. Allele origin: germline. Affected: yes. Observed: 1 variant allele.
Comment: GUCY2C: BS1

Labcorp Genetics (formerly Invitae), Labcorp
Classification: Benign. Last evaluated: 2026-01-22. Review status: criteria provided, single submitter. Criteria: Invitae Variant Classification Sherloc (09022015). Collection method: clinical testing. Allele origin: germline.

Blueprint Genetics
Classification: Likely benign. Last evaluated: 2024-10-03. Review status: criteria provided, single submitter. Criteria: ACMG Guidelines, 2015. Collection method: clinical testing. Allele origin: germline.

Breakthrough Genomics
Classification: Benign. Review status: criteria provided, single submitter. Criteria: ACMG Guidelines, 2015. Collection method: not provided. Allele origin: germline. Inheritance: Autosomal recessive inheritance. Affected: yes.

PreventionGenetics, part of Exact Sciences
Classification: Benign for GUCY2C-related condition. Last evaluated: 2019-03-15. Review status: no assertion criteria provided. Collection method: clinical testing. Allele origin: germline. Not counted in ClinVar's aggregate classification.
Comment: This variant is classified as benign based on ACMG/AMP sequence variant interpretation guidelines (Richards et al. 2015 PMID: 25741868, with internal and published modifications).